The following is an entry in ClinVar:

NM_001267550.2(TTN):c.46620T>C (p.Asp15540=)

Genes: TTN (titin; minus strand), TTN-AS1 (TTN antisense RNA 1; plus strand). Cytogenetic location: 2q31.2.
Variant type: single nucleotide variant.
Coding change: c.46620T>C on transcript NM_001267550.2 (MANE Select); coding-DNA position 46620, T replaced by C.
Protein change: p.Asp15540=; no amino-acid change (aspartic acid 15540 retained).
Molecular consequence: synonymous variant.
Genome position (GRCh38, 1-based): chr2:178,619,697, A>G on the plus strand (T>C on the coding strand, the complement: TTN is on the minus strand). VCF-style: chr2-178619697-A-G. GRCh37 (hg19) VCF-style: chr2-179484424-A-G.
Other names: c.41697T>C, p.Asp13899= (NM_001256850.1); c.19425T>C, p.Asp6475= (NM_003319.4); c.38916T>C, p.Asp12972= (NM_133378.4); c.19800T>C, p.Asp6600= (NM_133432.3); c.20001T>C, p.Asp6667= (NM_133437.4).
Identifiers: ClinVar variation 733424 (VCV000733424.21), dbSNP rs770539716, ClinGen allele CA1995212.

ClinVar aggregate classification (germline): Likely benign. Review status: criteria provided, multiple submitters, no conflicts (2 of 4 stars). 2 submissions from 2 submitters: Likely benign (2). Last evaluated 2025-11-01.

Conditions:
Dilated cardiomyopathy 1G (CMD1G). Identifiers: Orphanet 154, MedGen C1858763, MONDO:0011400, OMIM 604145.
Autosomal recessive limb-girdle muscular dystrophy type 2J (LGMDR10). Also called: Limb-girdle muscular dystrophy, type 2J; MUSCULAR DYSTROPHY, LIMB-GIRDLE, AUTOSOMAL RECESSIVE 10. Identifiers: Orphanet 140922, MedGen C1837342, MONDO:0012127, OMIM 608807.

Allele frequency attached by ClinVar (database versions not stated): gnomAD 0.00001; gnomAD exomes 0.00001; TOPMed 0.00001; ExAC 0.00002.
gnomAD v4.1: 10 of 1,612,208 alleles (0.00062%); highest among the groups gnomAD compares: South Asian, 0.0088%; no homozygotes.

Submissions (2):

CeGaT Center for Human Genetics Tuebingen
Classification: Likely benign. Last evaluated: 2025-11-01. Review status: criteria provided, single submitter. Criteria: CeGaT Center For Human Genetics Tuebingen Variant Classification Criteria Version 2. Collection method: clinical testing. Allele origin: germline. Affected: yes. Observed: 2 variant alleles.
Comment: TTN: BP4, BP7

Labcorp Genetics (formerly Invitae), Labcorp
Classification: Likely benign for Dilated cardiomyopathy 1G; Autosomal recessive limb-girdle muscular dystrophy type 2J. Last evaluated: 2025-05-12. Review status: criteria provided, single submitter. Criteria: Invitae Variant Classification Sherloc (09022015). Collection method: clinical testing. Allele origin: germline.